The following is an entry in ClinVar:

ClinVar aggregate classification (germline): Uncertain significance (1 of 4 stars; one submission).

Conditions:
Cone-rod dystrophy 13 (CORD13). Identifiers: Orphanet 1872, MedGen C2750720, MONDO:0011987, OMIM 608194.
Leber congenital amaurosis 6 (LCA6). Identifiers: Orphanet 65, MedGen C1854260, MONDO:0013446, OMIM 613826.

Submission:

Labcorp Genetics (formerly Invitae), Labcorp
Classification: Uncertain significance for Leber congenital amaurosis 6; Cone-rod dystrophy 13. Last evaluated: 2021-04-13. Review status: criteria provided, single submitter. Criteria: Invitae Variant Classification Sherloc (09022015). Collection method: clinical testing. Allele origin: germline.
Comment: In summary, the available evidence is currently insufficient to determine the role of this variant in disease. Therefore, it has been classified as a Variant of Uncertain Significance. Algorithms developed to predict the effect of missense changes on protein structure and function output the following: SIFT: "Tolerated"; PolyPhen-2: "Benign"; Align-GVGD: "Class C0". The serine amino acid residue is found in multiple mammalian species, suggesting that this missense change does not adversely affect protein function. These predictions have not been confirmed by published functional studies and their clinical significance is uncertain. This variant has not been reported in the literature in individuals with RPGRIP1-related conditions. This variant is not present in population databases (ExAC no frequency). This sequence change replaces arginine with serine at codon 1262 of the RPGRIP1 protein (p.Arg1262Ser). The arginine residue is moderately conserved and there is a moderate physicochemical difference between arginine and serine.

NM_020366.4(RPGRIP1):c.3786G>T (p.Arg1262Ser)

Gene: RPGRIP1 (RPGR interacting protein 1; plus strand). Cytogenetic location: 14q11.2.
Variant type: single nucleotide variant.
Coding change: c.3786G>T on transcript NM_020366.4 (MANE Select); coding-DNA position 3786, G replaced by T.
Protein change: p.Arg1262Ser; replaces arginine 1262 with serine.
Molecular consequence: missense variant.
Genome position (GRCh38, 1-based): chr14:21,351,141, G>T. VCF-style: chr14-21351141-G-T. GRCh37 (hg19) VCF-style: chr14-21819300-G-T.
Other names: c.1764G>T, p.Arg588Ser (NM_001377523.1, NM_001377950.1); c.2712G>T, p.Arg904Ser (NM_001377948.1); c.1872G>T, p.Arg624Ser (NM_001377949.1); c.1269G>T, p.Arg423Ser (NM_001377951.1); short protein forms R1262S, R588S, R423S, R624S, R904S.
Identifiers: ClinVar variation 1371790 (VCV001371790.8), dbSNP rs1479887241, ClinGen allele CA388858322.